The following is an entry in ClinVar:

NM_178335.3(CCDC50):c.553G>A (p.Glu185Lys)

Gene: CCDC50 (coiled-coil domain containing 50; plus strand). Cytogenetic location: 3q28.
Variant type: single nucleotide variant.
Coding change: c.553G>A on transcript NM_178335.3 (MANE Select); coding-DNA position 553, G replaced by A.
Protein change: p.Glu185Lys; replaces glutamic acid 185 with lysine.
Molecular consequence: missense variant. On other transcripts: intron variant (1).
Genome position (GRCh38, 1-based): chr3:191,375,166, G>A. VCF-style: chr3-191375166-G-A. GRCh37 (hg19) VCF-style: chr3-191092955-G-A.
Other names: c.449-4993G>A (NM_174908.4); short protein forms E185K.
Identifiers: ClinVar variation 1309541 (VCV001309541.2), dbSNP rs766000838, ClinGen allele CA2755281.

ClinVar aggregate classification (germline): Uncertain significance (1 of 4 stars; one submission).

Allele frequency attached by ClinVar (database versions not stated): ExAC 0.00002; gnomAD 0.00004.
gnomAD v4.1: 13 of 1,613,652 alleles (0.00081%); highest among the groups gnomAD compares: African/African-American, 0.015%; no homozygotes.

Submission:

GeneDx
Classification: Uncertain significance. Last evaluated: 2019-10-21. Review status: criteria provided, single submitter. Criteria: GeneDx Variant Classification Process June 2021. Collection method: clinical testing. Allele origin: germline. Affected: yes.
Comment: In silico analysis, which includes protein predictors and evolutionary conservation, supports that this variant does not alter protein structure/function; Has not been previously published as pathogenic or benign to our knowledge